The following is an entry in ClinVar:

NM_000179.3(MSH6):c.2982C>A (p.Tyr994Ter)

Gene: MSH6 (mutS homolog 6; plus strand). Cytogenetic location: 2p16.3.
Variant type: single nucleotide variant.
Coding change: c.2982C>A on transcript NM_000179.3 (MANE Select); coding-DNA position 2982, C replaced by A.
Protein change: p.Tyr994Ter; replaces tyrosine 994 with a stop codon.
Molecular consequence: nonsense. On other transcripts: non-coding transcript variant (5), intron variant (2).
Genome position (GRCh38, 1-based): chr2:47,800,965, C>A. VCF-style: chr2-47800965-C-A. GRCh37 (hg19) VCF-style: chr2-48028104-C-A.
Other names: c.2592C>A, p.Tyr864Ter (NM_001281492.2); c.2076C>A, p.Tyr692Ter (NM_001281493.2, NM_001281494.2, NM_001406811.1 and 6 more transcripts); c.3078C>A, p.Tyr1026Ter (NM_001406795.1, NM_001406802.1); c.2982C>A, p.Tyr994Ter (NM_001406796.1, NM_001406798.1, NM_001406800.1 and 2 more transcripts); c.2685C>A, p.Tyr895Ter (NM_001406797.1, NM_001406801.1, NM_001406805.1 and 10 more transcripts); c.2457C>A, p.Tyr819Ter (NM_001406799.1, NM_001406806.1, NM_001406807.1); c.2904C>A, p.Tyr968Ter (NM_001406804.1); c.2988C>A, p.Tyr996Ter (NM_001406813.1); and 4 more; short protein forms Y1026*, Y309*, Y692*, Y819*, Y864*, Y895*, Y938*, Y968*.
Identifiers: ClinVar variation 2575375 (VCV002575375.5), dbSNP rs367758473, ClinGen allele CA346756361.
Genomic context (GRCh38, chr2:47,800,965, plus strand): 5'-GAACCGTTACCAGCTGGAAATTCCTGAGAATTTCACCACTCGCAATTTGCCAGAAGAATA[C>A]GAGTTGAAATCTACCAAGAAGGGCTGTAAACGATACTGGACCAAAACTATTGAAAAGAAG-3'

ClinVar aggregate classification (germline): Pathogenic/Likely pathogenic. Review status: criteria provided, multiple submitters, no conflicts (2 of 4 stars). 2 submissions from 2 submitters: Pathogenic (1); Likely pathogenic (1). Last evaluated 2025-03-04.

Conditions:
Lynch syndrome. Identifiers: Orphanet 144, MedGen C4552100, MONDO:0005835. Disease mechanism: loss of function.

Submissions (2):

Center for Genomic Medicine, Rigshospitalet, Copenhagen University Hospital
Classification: Pathogenic. Last evaluated: 2025-03-04. Review status: criteria provided, single submitter. Criteria: ACMG Guidelines, 2015. Collection method: clinical testing. Allele origin: germline.

Department of Clinical Genetics, Copenhagen University Hospital, Rigshospitalet
Classification: Likely pathogenic for Lynch syndrome. Last evaluated: 2025-02-04. Review status: criteria provided, single submitter. Criteria: ACMG Guidelines, 2015. Collection method: clinical testing. Allele origin: germline.
Comment: PVS1; PM2_SUP;

Literature cited by the submitters: PubMed 22495361 (cited by Center for Genomic Medicine, Rigshospitalet, Copenhagen University Hospital); PubMed 34196900 (cited by Center for Genomic Medicine, Rigshospitalet, Copenhagen University Hospital).